The following is an entry in ClinVar:

ClinVar aggregate classification (germline): Likely benign. Review status: criteria provided, multiple submitters, no conflicts (2 of 4 stars). 4 submissions from 4 submitters: Likely benign (3). 1 of the submissions does not count toward it. Last evaluated 2025-12-13.

Conditions:
Inborn genetic diseases. Identifiers: MedGen C0950123, MeSH D030342.
Finnish type amyloidosis. Also called: AMYLOID CRANIAL NEUROPATHY WITH LATTICE CORNEAL DYSTROPHY; AMYLOIDOSIS DUE TO MUTANT GELSOLIN; Lattice corneal dystrophy associated with familial systemic amyloidosis; Meretoja's syndrome; Lattice dystrophy of the cornea with hereditary generalized amyloidosis; Amyloidosis, familial, Finnish type. Identifiers: Orphanet 85448, MedGen C1622345, MONDO:0007097, OMIM 105120.
GSN-related disorder. Also called: GSN-related condition.

Allele frequency attached by ClinVar (database versions not stated): TOPMed below 0.00001; gnomAD 0.00001; gnomAD exomes 0.00001; ExAC 0.00002.
gnomAD v4.1: 15 of 1,614,022 alleles (0.00093%); highest among the groups gnomAD compares: South Asian, 0.0022%; no homozygotes.

Submissions (5):

Labcorp Genetics (formerly Invitae), Labcorp
Classification: Likely benign. Last evaluated: 2025-12-13. Review status: criteria provided, single submitter. Criteria: Invitae Variant Classification Sherloc (09022015). Collection method: clinical testing. Allele origin: germline.

Ambry Genetics
Classification: Likely benign for Inborn genetic diseases. Last evaluated: 2019-07-11. Review status: criteria provided, single submitter. Criteria: Ambry Variant Classification Scheme 2023. Collection method: clinical testing. Allele origin: germline.

Illumina Laboratory Services, Illumina
Classification: Likely benign for Finnish type amyloidosis. Last evaluated: 2018-01-13. Review status: criteria provided, single submitter. Criteria: ICSL Variant Classification Criteria 13 December 2019. Collection method: clinical testing. Allele origin: germline.
Comment: This variant was observed in the ICSL laboratory as part of a predisposition screen in an ostensibly healthy population. It had not been previously curated by ICSL or reported in the Human Gene Mutation Database (HGMD: prior to June 1st, 2018), and was therefore a candidate for classification through an automated scoring system. Utilizing variant allele frequency, disease prevalence and penetrance estimates, and inheritance mode, an automated score was calculated to assess if this variant is too frequent to cause the disease. Based on the score and internal cut-off values, a variant classified as likely benign is not then subjected to further curation. The score for this variant resulted in a classification of likely benign for this disease.

PreventionGenetics, part of Exact Sciences
Classification: Likely benign for GSN-related condition. Last evaluated: 2022-04-29. Review status: no assertion criteria provided. Collection method: clinical testing. Allele origin: germline. Not counted in ClinVar's aggregate classification.
Comment: This variant is classified as likely benign based on ACMG/AMP sequence variant interpretation guidelines (Richards et al. 2015 PMID: 25741868, with internal and published modifications).

Dr. Peter K. Rogan Lab, Western University
No classification provided (evidence only). Condition: Uterine corpus endometrial carcinoma. Review status: no classification provided. Collection method: in vitro. Allele origin: not applicable. Functional consequence: retained intron. Not counted in ClinVar's aggregate classification.

NM_198252.3(GSN):c.123C>T (p.Gly41=)

Gene: GSN (gelsolin; plus strand). Cytogenetic location: 9q33.2.
Variant type: single nucleotide variant.
Coding change: c.123C>T on transcript NM_198252.3 (MANE Select); coding-DNA position 123, C replaced by T.
Protein change: p.Gly41=; no amino-acid change (glycine 41 retained).
Molecular consequence: synonymous variant. On other transcripts: intron variant (1).
Genome position (GRCh38, 1-based): chr9:121,302,094, C>T. VCF-style: chr9-121302094-C-T. GRCh37 (hg19) VCF-style: chr9-124064372-C-T.
Other names: c.276C>T, p.Gly92= (NM_000177.5); c.123C>T, p.Gly41= (NM_001127662.2, NM_001127664.2, NM_001127665.2 and 10 more transcripts); c.231C>T, p.Gly77= (NM_001127663.2); c.156C>T, p.Gly52= (NM_001127666.2, NM_001127667.2, NM_001353063.2 and 13 more transcripts); c.174C>T, p.Gly58= (NM_001258029.2); c.147C>T, p.Gly49= (NM_001258030.2); c.195C>T, p.Gly65= (NM_001353076.2); c.-458-817C>T (NM_001353078.2).
Identifiers: ClinVar variation 364797 (VCV000364797.14), dbSNP rs774617795, ClinGen allele CA5220768.